The following is an entry in ClinVar:

NM_016507.4(CDK12):c.1467G>C (p.Lys489Asn)

Gene: CDK12 (cyclin dependent kinase 12; plus strand). Cytogenetic location: 17q12.
Variant type: single nucleotide variant.
Coding change: c.1467G>C on transcript NM_016507.4 (MANE Select); coding-DNA position 1467, G replaced by C.
Protein change: p.Lys489Asn; replaces lysine 489 with asparagine.
Molecular consequence: missense variant.
Genome position (GRCh38, 1-based): chr17:39,471,299, G>C. VCF-style: chr17-39471299-G-C. GRCh37 (hg19) VCF-style: chr17-37627552-G-C.
Other names: c.1467G>C, p.Lys489Asn (NM_015083.4); short protein forms K489N.
Identifiers: ClinVar variation 3830736 (VCV003830736.1).

ClinVar aggregate classification (germline): Uncertain significance (1 of 4 stars; one submission).

Submission:

Ambry Genetics
Classification: Uncertain significance. Last evaluated: 2025-03-02. Review status: criteria provided, single submitter. Criteria: Ambry Variant Classification Scheme 2023. Collection method: clinical testing. Allele origin: germline.
Comment: The p.K489N variant (also known as c.1467G>C), located in coding exon 2 of the CDK12 gene, results from a G to C substitution at nucleotide position 1467. The lysine at codon 489 is replaced by asparagine, an amino acid with similar properties. This amino acid position is conserved. In addition, this alteration is predicted to be tolerated by in silico analysis. Based on the available evidence, the clinical significance of this variant remains unclear.